The following is an entry in ClinVar:

ClinVar aggregate classification (germline): Uncertain significance. Review status: criteria provided, multiple submitters, no conflicts (2 of 4 stars). 3 submissions from 3 submitters: Uncertain significance (3). Last evaluated 2022-04-26.

Conditions:
Pulmonary hypertension, neonatal, susceptibility to (PHN). Identifiers: MedGen C3714958, MONDO:0014151, OMIM 615371.
Congenital hyperammonemia, type I. Also called: Carbamoyl-phosphate synthase I deficiency; Carbamoyl phosphate synthetase I deficiency disease; Carbamoyl phosphate synthetase 1 deficiency; Hyperammonemia due to carbamoyl phosphate synthetase 1 deficiency; CPS 1 deficiency; Carbamyl phosphate synthetase (CPS) deficiency. Identifiers: Orphanet 147, MedGen C4082171, MONDO:0009376, OMIM 237300.

Allele frequency attached by ClinVar (database versions not stated): gnomAD exomes below 0.00001 and 0.00001; gnomAD 0.00001; TOPMed 0.00001.
gnomAD v4.1: 22 of 1,613,390 alleles (0.0014%); highest among the groups gnomAD compares: Non-Finnish European, 0.0019%; no homozygotes.

Submissions (3):

Labcorp Genetics (formerly Invitae), Labcorp
Classification: Uncertain significance for Congenital hyperammonemia, type I. Last evaluated: 2022-04-26. Review status: criteria provided, single submitter. Criteria: Invitae Variant Classification Sherloc (09022015). Collection method: clinical testing. Allele origin: germline.
Comment: This sequence change replaces isoleucine, which is neutral and non-polar, with methionine, which is neutral and non-polar, at codon 1043 of the CPS1 protein (p.Ile1043Met). This variant is present in population databases (no rsID available, gnomAD 0.0009%). This variant has not been reported in the literature in individuals affected with CPS1-related conditions. ClinVar contains an entry for this variant (Variation ID: 1032779). Algorithms developed to predict the effect of missense changes on protein structure and function are either unavailable or do not agree on the potential impact of this missense change (SIFT: "Deleterious"; PolyPhen-2: "Probably Damaging"; Align-GVGD: "Class C0"). Algorithms developed to predict the effect of sequence changes on RNA splicing suggest that this variant may create or strengthen a splice site. In summary, the available evidence is currently insufficient to determine the role of this variant in disease. Therefore, it has been classified as a Variant of Uncertain Significance.

Fulgent Genetics
Classification: Uncertain significance for Congenital hyperammonemia, type I; Pulmonary hypertension, neonatal, susceptibility to. Last evaluated: 2021-12-03. Review status: criteria provided, single submitter. Criteria: ACMG Guidelines, 2015. Collection method: clinical testing. Allele origin: unknown.

Baylor Genetics
Classification: Uncertain significance for Congenital hyperammonemia, type I. Last evaluated: 2018-03-16. Review status: criteria provided, single submitter. Criteria: ACMG Guidelines, 2015. Collection method: clinical testing. Allele origin: unknown. Affected: yes.
Comment: This variant was determined to be of uncertain significance according to ACMG Guidelines, 2015 [PMID:25741868].

NM_001875.5(CPS1):c.3129C>G (p.Ile1043Met)

Gene: CPS1 (carbamoyl-phosphate synthase 1; plus strand). Cytogenetic location: 2q34.
Variant type: single nucleotide variant.
Coding change: c.3129C>G on transcript NM_001875.5 (MANE Select); coding-DNA position 3129, C replaced by G.
Protein change: p.Ile1043Met; replaces isoleucine 1043 with methionine.
Molecular consequence: missense variant. On other transcripts: non-coding transcript variant (2).
Genome position (GRCh38, 1-based): chr2:210,642,653, C>G. VCF-style: chr2-210642653-C-G. GRCh37 (hg19) VCF-style: chr2-211507377-C-G.
Other names: c.3129C>G, p.Ile1043Met (NM_001122633.3, NM_001369257.1); c.3162C>G, p.Ile1054Met (NM_001369256.1); short protein forms I1043M, I1054M.
Identifiers: ClinVar variation 1032779 (VCV001032779.4), dbSNP rs1294236456, ClinGen allele CA350434456.